The following is an entry in ClinVar:

NM_000419.5(ITGA2B):c.800G>C (p.Gly267Ala)

Gene: ITGA2B (integrin subunit alpha 2b; minus strand). Cytogenetic location: 17q21.31.
Variant type: single nucleotide variant.
Coding change: c.800G>C on transcript NM_000419.5 (MANE Select); coding-DNA position 800, G replaced by C.
Protein change: p.Gly267Ala; replaces glycine 267 with alanine.
Molecular consequence: missense variant.
Genome position (GRCh38, 1-based): chr17:44,384,585, C>G on the plus strand (G>C on the coding strand, the complement: ITGA2B is on the minus strand). VCF-style: chr17-44384585-C-G. GRCh37 (hg19) VCF-style: chr17-42461953-C-G.
Other names: short protein forms G267A.
Identifiers: ClinVar variation 890601 (VCV000890601.7), dbSNP rs2048627164, ClinGen allele CA399805146.

ClinVar aggregate classification (germline): Uncertain significance. Review status: reviewed by expert panel (3 of 4 stars). 2 submissions from 2 submitters: Uncertain significance (1). 1 of the submissions does not count toward it. Last evaluated 2024-04-16.

Conditions:
Glanzmann thrombasthenia. Also called: BLEEDING DISORDER, PLATELET-TYPE, 2; THROMBASTHENIA OF GLANZMANN AND NAEGELI; PLATELET GLYCOPROTEIN IIb-IIIa DEFICIENCY; Thrombasthenia; Glanzmann's thrombasthenia. Identifiers: Orphanet 849, MedGen C0040015, MONDO:0100326.

Submissions (2):

ClinGen Platelet Disorders Variant Curation Expert Panel, ClinGen
Classification: Uncertain significance for Glanzmann thrombasthenia. Last evaluated: 2024-04-16. Review status: reviewed by expert panel. Criteria: ClinGen Platelet ACMG Specifications v2-1. Collection method: curation. Allele origin: germline. Inheritance: Autosomal recessive inheritance.
Comment: The NM_000419.5(ITGA2B):c.800G>C (p.Gly267Ala) missense variant was observed by Illumina as part of a predisposition screen in an ostensibly healthy population but has not been reported in a GT patient. It occurs at the same residue as likely pathogenic variant Gly267Glu (ClinVar 953015; PM5_supporting). It is absent from population databases, including gnomADv4.0.0 (PM2_supporting) and predicted to have a deleterious effect (REVEL score 0.756; PP3).In summary there is insufficient evidence resulting in a classification of Uncertain Significance. GT-specific criteria applied: PM2_Supporting, PM5_Supporting, and PP3.

Illumina Laboratory Services, Illumina
Classification: Uncertain significance for Glanzmann thrombasthenia 1. Last evaluated: 2017-04-27. Review status: criteria provided, single submitter. Criteria: ICSL Variant Classification Criteria 13 December 2019. Collection method: clinical testing. Allele origin: germline. Not counted in ClinVar's aggregate classification.
Comment: This variant was observed as part of a predisposition screen in an ostensibly healthy population. A literature search was performed for the gene, cDNA change, and amino acid change (where applicable). Publications were found based on this search. However, the evidence from the literature, in combination with allele frequency data from public databases where available, was not sufficient to rule this variant in or out of causing disease. Therefore, this variant is classified as a variant of unknown significance.

Literature cited by the submitters: PubMed 12083483 (cited by Illumina Laboratory Services, Illumina).